The following is an entry in ClinVar:

NM_000093.5(COL5A1):c.1063C>T (p.Leu355Phe)

Gene: COL5A1 (collagen type V alpha 1 chain; plus strand). Cytogenetic location: 9q34.3.
Variant type: single nucleotide variant.
Coding change: c.1063C>T on transcript NM_000093.5 (MANE Select); coding-DNA position 1063, C replaced by T.
Protein change: p.Leu355Phe; replaces leucine 355 with phenylalanine.
Molecular consequence: missense variant.
Genome position (GRCh38, 1-based): chr9:134,730,374, C>T. VCF-style: chr9-134730374-C-T. GRCh37 (hg19) VCF-style: chr9-137622220-C-T.
Other names: c.1063C>T, p.Leu355Phe (NM_001278074.1); short protein forms L355F.
Identifiers: ClinVar variation 1781001 (VCV001781001.7), dbSNP rs772068497, ClinGen allele CA5318624.

ClinVar aggregate classification (germline): Conflicting classifications of pathogenicity. Review status: criteria provided, conflicting classifications (1 of 4 stars). 2 submissions from 2 submitters: Uncertain significance (1); Likely benign (1). Last evaluated 2025-05-04.

Conditions:
Ehlers-Danlos syndrome, classic type, 1 (EDSCL1). Also called: Ehlers-Danlos syndrome, type 1; Ehlers-Danlos Syndrome, Classic Type, COL5A1-Related; EDS I; EHLERS-DANLOS SYNDROME, GRAVIS TYPE; EHLERS-DANLOS SYNDROME, SEVERE CLASSIC TYPE. Identifiers: MedGen C0268335, MONDO:0019567, OMIM 130000.
Familial thoracic aortic aneurysm and aortic dissection (TAAD). Also called: Thoracic aortic aneurysms and dissections. Identifiers: Orphanet 91387, MedGen C4707243, MONDO:0019625.

Allele frequency attached by ClinVar (database versions not stated): TOPMed below 0.00001; ExAC 0.00001; gnomAD 0.00001.
gnomAD v4.1: 2 of 1,614,118 alleles (0.00012%); highest among the groups gnomAD compares: Non-Finnish European, 0.00017%; no homozygotes.

Submissions (2):

Labcorp Genetics (formerly Invitae), Labcorp
Classification: Likely benign for Ehlers-Danlos syndrome, classic type, 1. Last evaluated: 2025-05-04. Review status: criteria provided, single submitter. Criteria: Invitae Variant Classification Sherloc (09022015). Collection method: clinical testing. Allele origin: germline.

Ambry Genetics
Classification: Uncertain significance for Familial thoracic aortic aneurysm and aortic dissection. Last evaluated: 2021-04-26. Review status: criteria provided, single submitter. Criteria: Ambry Variant Classification Scheme 2023. Collection method: clinical testing. Allele origin: germline.
Comment: The p.L355F variant (also known as c.1063C>T), located in coding exon 7 of the COL5A1 gene, results from a C to T substitution at nucleotide position 1063. The leucine at codon 355 is replaced by phenylalanine, an amino acid with highly similar properties. This amino acid position is poorly conserved in available vertebrate species. In addition, this alteration is predicted to be tolerated by in silico analysis. Since supporting evidence is limited at this time, the clinical significance of this alteration remains unclear.